The following is an entry in ClinVar:

ClinVar aggregate classification (germline): Uncertain significance. Review status: criteria provided, multiple submitters, no conflicts (2 of 4 stars). 2 submissions from 2 submitters: Uncertain significance (2). Last evaluated 2025-04-16.

Conditions:
Pancreatic adenocarcinoma. Identifiers: MedGen C0281361, MONDO:0006047, HP:0006725.

Allele frequency attached by ClinVar (database versions not stated): gnomAD exomes 0.00001; gnomAD 0.00002.
gnomAD v4.1: 6 of 1,611,546 alleles (0.00037%); highest among the groups gnomAD compares: African/African-American, 0.0067%; no homozygotes.

Submissions (2):

Ambry Genetics
Classification: Uncertain significance. Last evaluated: 2025-04-16. Review status: criteria provided, single submitter. Criteria: Ambry Variant Classification Scheme 2023. Collection method: clinical testing. Allele origin: germline.
Comment: The p.F324L variant (also known as c.970T>C), located in coding exon 5 of the PALLD gene, results from a T to C substitution at nucleotide position 970. The phenylalanine at codon 324 is replaced by leucine, an amino acid with highly similar properties. This amino acid position is conserved. In addition, the in silico prediction for this alteration is inconclusive. Based on the available evidence, the clinical significance of this variant remains unclear.

Labcorp Genetics (formerly Invitae), Labcorp
Classification: Uncertain significance for Pancreatic adenocarcinoma. Last evaluated: 2021-12-27. Review status: criteria provided, single submitter. Criteria: Invitae Variant Classification Sherloc (09022015). Collection method: clinical testing. Allele origin: germline.
Comment: This variant has not been reported in the literature in individuals affected with PALLD-related conditions. This sequence change replaces phenylalanine, which is neutral and non-polar, with leucine, which is neutral and non-polar, at codon 324 of the PALLD protein (p.Phe324Leu). This variant is present in population databases (no rsID available, gnomAD 0.01%). Algorithms developed to predict the effect of missense changes on protein structure and function are either unavailable or do not agree on the potential impact of this missense change (SIFT: "Deleterious"; PolyPhen-2: "Possibly Damaging"; Align-GVGD: "Class C15"). In summary, the available evidence is currently insufficient to determine the role of this variant in disease. Therefore, it has been classified as a Variant of Uncertain Significance.

NM_001166108.2(PALLD):c.2482T>C (p.Phe828Leu)

Genes: CBR4 (carbonyl reductase 4; minus strand), PALLD (palladin, cytoskeletal associated protein; plus strand). Cytogenetic location: 4q32.3.
Variant type: single nucleotide variant.
Coding change: c.2482T>C on transcript NM_001166108.2 (MANE Select); coding-DNA position 2482, T replaced by C.
Protein change: p.Phe828Leu; replaces phenylalanine 828 with leucine.
Molecular consequence: missense variant.
Genome position (GRCh38, 1-based): chr4:168,903,766, T>C. VCF-style: chr4-168903766-T-C. GRCh37 (hg19) VCF-style: chr4-169824917-T-C.
Other names: c.1285T>C, p.Phe429Leu (NM_001166109.2); c.970T>C, p.Phe324Leu (NM_001166110.2); c.310T>C, p.Phe104Leu (NM_001367567.1, NM_001367569.1); c.361T>C, p.Phe121Leu (NM_001367568.1, NM_001367570.1); c.2431T>C, p.Phe811Leu (NM_016081.4); c.970T>C (NM_001166110.1); short protein forms F121L, F828L, F104L, F324L, F429L, F811L.
Identifiers: ClinVar variation 1351498 (VCV001351498.9), dbSNP rs1160463247, ClinGen allele CA358799249.
Genomic context (GRCh38, chr4:168,903,766, plus strand): 5'-AGAGTAGGAATACACAAACTCCTAATCTTTAATCTTTGTTTCTATTCACAGATCTATTGG[T>C]TTAAAGATGGGAAGCAGATCTCTCCAAAGAGTGATCACTACACCATTCAAAGAGATCTCG-3'
Protein context (NP_001159580.1, residues 818-838): AGNPKPKIYW[Phe828Leu]KDGKQISPKS